The following is an entry in ClinVar:

ClinVar aggregate classification (germline): Uncertain significance (1 of 4 stars; one submission).

Conditions:
Autosomal recessive polycystic kidney disease (ARPKD). Also called: AR polycystic kidney disease. Identifiers: Orphanet 731, Orphanet 8378, MedGen C0085548, MeSH D017044, MONDO:0009889.

Allele frequency attached by ClinVar (database versions not stated): TOPMed below 0.00001.
gnomAD v4.1: 1 of 1,614,172 alleles (0.000062%); highest among the groups gnomAD compares: Non-Finnish European, 0.000085%; no homozygotes.

Submission:

Labcorp Genetics (formerly Invitae), Labcorp
Classification: Uncertain significance for Autosomal recessive polycystic kidney disease. Last evaluated: 2024-10-22. Review status: criteria provided, single submitter. Criteria: Invitae Variant Classification Sherloc (09022015). Collection method: clinical testing. Allele origin: germline.
Comment: This sequence change replaces serine, which is neutral and polar, with threonine, which is neutral and polar, at codon 1182 of the PKHD1 protein (p.Ser1182Thr). This variant is not present in population databases (gnomAD no frequency). This missense change has been observed in individual(s) with polycystic kidney disease (PMID: 33940108). ClinVar contains an entry for this variant (Variation ID: 1895479). Invitae Evidence Modeling of protein sequence and biophysical properties (such as structural, functional, and spatial information, amino acid conservation, physicochemical variation, residue mobility, and thermodynamic stability) indicates that this missense variant is not expected to disrupt PKHD1 protein function with a negative predictive value of 95%. In summary, the available evidence is currently insufficient to determine the role of this variant in disease. Therefore, it has been classified as a Variant of Uncertain Significance.

Literature cited by the submitters: PubMed 33940108.

NM_138694.4(PKHD1):c.3545G>C (p.Ser1182Thr)

Gene: PKHD1 (PKHD1 ciliary IPT domain containing fibrocystin/polyductin; minus strand). Cytogenetic location: 6p12.2.
Variant type: single nucleotide variant.
Coding change: c.3545G>C on transcript NM_138694.4 (MANE Select); coding-DNA position 3545, G replaced by C.
Protein change: p.Ser1182Thr; replaces serine 1182 with threonine.
Molecular consequence: missense variant.
Genome position (GRCh38, 1-based): chr6:52,028,171, C>G on the plus strand (G>C on the coding strand, the complement: PKHD1 is on the minus strand). VCF-style: chr6-52028171-C-G. GRCh37 (hg19) VCF-style: chr6-51892969-C-G.
Other names: c.3545G>C, p.Ser1182Thr (NM_170724.3); short protein forms S1182T.
Identifiers: ClinVar variation 1895479 (VCV001895479.4), dbSNP rs1423728824, ClinGen allele CA364440255.